The following is an entry in ClinVar:

ClinVar aggregate classification (germline): Uncertain significance (0 of 4 stars; one submission).

Conditions:
SEMA3E-related disorder. Also called: SEMA3E-related condition.

Submission:

PreventionGenetics, part of Exact Sciences
Classification: Uncertain significance for SEMA3E-related condition. Last evaluated: 2024-08-21. Review status: no assertion criteria provided. Collection method: clinical testing. Allele origin: germline.
Comment: The SEMA3E c.1553A>G variant is predicted to result in the amino acid substitution p.His518Arg. To our knowledge, this variant has not been reported in the literature or in a large population database, indicating this variant is rare. At this time, the clinical significance of this variant is uncertain due to the absence of conclusive functional and genetic evidence.

NM_012431.3(SEMA3E):c.1553A>G (p.His518Arg)

Gene: SEMA3E (semaphorin 3E; minus strand). Cytogenetic location: 7q21.11.
Variant type: single nucleotide variant.
Coding change: c.1553A>G on transcript NM_012431.3 (MANE Select); coding-DNA position 1553, A replaced by G.
Protein change: p.His518Arg; replaces histidine 518 with arginine.
Molecular consequence: missense variant.
Genome position (GRCh38, 1-based): chr7:83,392,669, T>C on the plus strand (A>G on the coding strand, the complement: SEMA3E is on the minus strand). VCF-style: chr7-83392669-T-C. GRCh37 (hg19) VCF-style: chr7-83021985-T-C.
Other names: c.1373A>G, p.His458Arg (NM_001178129.2); short protein forms H458R, H518R.
Identifiers: ClinVar variation 3345469 (VCV003345469.1).